The following is an entry in ClinVar:

ClinVar aggregate classification (germline): Uncertain significance. Review status: criteria provided, multiple submitters, no conflicts (2 of 4 stars). 5 submissions from 5 submitters: Uncertain significance (5). Last evaluated 2023-05-20.

Conditions:
Autosomal dominant nonsyndromic hearing loss 12. Also called: DEAFNESS, AUTOSOMAL DOMINANT 8. Identifiers: Orphanet 90635, MedGen C1832187, MONDO:0011102, OMIM 601543.

Allele frequency attached by ClinVar (database versions not stated): gnomAD exomes below 0.00001.
gnomAD v4.1: 4 of 1,614,160 alleles (0.00025%); highest among the groups gnomAD compares: South Asian, 0.0011%; no homozygotes.

Submissions (5):

Labcorp Genetics (formerly Invitae), Labcorp
Classification: Uncertain significance. Last evaluated: 2023-05-20. Review status: criteria provided, single submitter. Criteria: Invitae Variant Classification Sherloc (09022015). Collection method: clinical testing. Allele origin: germline.
Comment: This variant has not been reported in the literature in individuals affected with TECTA-related conditions. This variant is not present in population databases (gnomAD no frequency). This sequence change replaces arginine, which is basic and polar, with cysteine, which is neutral and slightly polar, at codon 63 of the TECTA protein (p.Arg63Cys). In summary, the available evidence is currently insufficient to determine the role of this variant in disease. Therefore, it has been classified as a Variant of Uncertain Significance. Advanced modeling of protein sequence and biophysical properties (such as structural, functional, and spatial information, amino acid conservation, physicochemical variation, residue mobility, and thermodynamic stability) performed at Invitae indicates that this missense variant is not expected to disrupt TECTA protein function. ClinVar contains an entry for this variant (Variation ID: 229292).

GeneDx
Classification: Uncertain significance. Last evaluated: 2023-01-24. Review status: criteria provided, single submitter. Criteria: GeneDx Variant Classification Process June 2021. Collection method: clinical testing. Allele origin: germline. Affected: yes.
Comment: Not observed in large population cohorts (gnomAD); In silico analysis supports that this missense variant does not alter protein structure/function; Has not been previously published as pathogenic or benign to our knowledge

Blueprint Genetics
Classification: Uncertain significance. Last evaluated: 2021-12-14. Review status: criteria provided, single submitter. Criteria: ACMG Guidelines, 2015. Collection method: clinical testing. Allele origin: germline.

Laboratory for Molecular Medicine, Mass General Brigham Personalized Medicine
Classification: Uncertain significance. Last evaluated: 2015-01-26. Review status: criteria provided, single submitter. Criteria: LMM Criteria. Collection method: clinical testing. Allele origin: germline. Observed: 2 variant alleles.
Comment: The p.Arg63Cys variant in TECTA has not been previously reported in individuals with hearing loss and was absent from large population studies. Computational pr ediction tools and conservation analysis suggest that this variant may impact th e protein, though this information is not predictive enough to determine pathoge nicity. In summary, the clinical significance of the p.Arg63Cys variant is uncer tain.

Precision Medicine Center, Zhengzhou University
Classification: Uncertain significance for Autosomal dominant nonsyndromic hearing loss 12. Last evaluated: 2006-06-30. Review status: criteria provided, single submitter. Criteria: ClinGen HL ACMG Specifications v1. Collection method: clinical testing. Allele origin: unknown. Affected: yes.
Comment: PM2:The TECTA c.187C>T variant is absent or extremely rare in population databases, including gnomAD, supporting its rarity in the general population (PM2). However, no additional supporting evidence is currently available, including functional studies, segregation data, de novo occurrence, or case enrichment in affected individuals. Therefore, there is insufficient evidence to establish a pathogenic role for this variant. Based on the ACMG/AMP guidelines, this variant meets the criterion PM2 and is therefore classified as a Variant of Uncertain Significance (VUS).

NM_005422.4(TECTA):c.187C>T (p.Arg63Cys)

Genes: TBCEL-TECTA (TBCEL-TECTA readthrough; plus strand), TECTA (tectorin alpha; plus strand). Cytogenetic location: 11q23.3.
Variant type: single nucleotide variant.
Coding change: c.187C>T on transcript NM_005422.4 (MANE Select); coding-DNA position 187, C replaced by T.
Protein change: p.Arg63Cys; replaces arginine 63 with cysteine.
Molecular consequence: missense variant.
Genome position (GRCh38, 1-based): chr11:121,105,953, C>T. VCF-style: chr11-121105953-C-T. GRCh37 (hg19) VCF-style: chr11-120976662-C-T.
Other names: c.1144C>T, p.Arg382Cys (NM_001378761.1); short protein forms R63C, R382C.
Identifiers: ClinVar variation 229292 (VCV000229292.13), dbSNP rs876658015, ClinGen allele CA10576832.